The following is an entry in ClinVar:

NM_006876.3(B4GAT1):c.248G>T (p.Arg83Met)

Gene: B4GAT1 (beta-1,4-glucuronyltransferase 1; minus strand). Cytogenetic location: 11q13.2.
Variant type: single nucleotide variant.
Coding change: c.248G>T on transcript NM_006876.3 (MANE Select); coding-DNA position 248, G replaced by T.
Protein change: p.Arg83Met; replaces arginine 83 with methionine.
Molecular consequence: missense variant.
Genome position (GRCh38, 1-based): chr11:66,347,298, C>A on the plus strand (G>T on the coding strand, the complement: B4GAT1 is on the minus strand). VCF-style: chr11-66347298-C-A. GRCh37 (hg19) VCF-style: chr11-66114769-C-A.
Other names: short protein forms R83M.
Identifiers: ClinVar variation 2126890 (VCV002126890.4), dbSNP rs868408971, ClinGen allele CA224043816.

ClinVar aggregate classification (germline): Uncertain significance (1 of 4 stars; one submission).

Conditions:
Muscular dystrophy-dystroglycanopathy (congenital with brain and eye anomalies), type A13. Also called: WALKER-WARBURG SYNDROME OR MUSCLE-EYE-BRAIN DISEASE, B3GNT1-RELATED; Muscular dystrophy-dystroglycanopathy (congenital with brain and eye anomalies), type a, 13. Identifiers: Orphanet 899, MedGen C3809042, MONDO:0014120, OMIM 615287.

Allele frequency attached by ClinVar (database versions not stated): gnomAD exomes below 0.00001.

Submission:

Labcorp Genetics (formerly Invitae), Labcorp
Classification: Uncertain significance for Muscular dystrophy-dystroglycanopathy (congenital with brain and eye anomalies), type A13. Last evaluated: 2022-06-29. Review status: criteria provided, single submitter. Criteria: Invitae Variant Classification Sherloc (09022015). Collection method: clinical testing. Allele origin: germline.
Comment: This sequence change replaces arginine, which is basic and polar, with methionine, which is neutral and non-polar, at codon 83 of the B4GAT1 protein (p.Arg83Met). This variant is not present in population databases (gnomAD no frequency). In summary, the available evidence is currently insufficient to determine the role of this variant in disease. Therefore, it has been classified as a Variant of Uncertain Significance. Algorithms developed to predict the effect of missense changes on protein structure and function are either unavailable or do not agree on the potential impact of this missense change (SIFT: "Deleterious"; PolyPhen-2: "Benign"; Align-GVGD: "Class C15"). This variant has not been reported in the literature in individuals affected with B4GAT1-related conditions.